The following is an entry in ClinVar:

NM_000083.3(CLCN1):c.1348A>T (p.Ile450Phe)

Gene: CLCN1 (chloride voltage-gated channel 1; plus strand). Cytogenetic location: 7q34.
Variant type: single nucleotide variant.
Coding change: c.1348A>T on transcript NM_000083.3 (MANE Select); coding-DNA position 1348, A replaced by T.
Protein change: p.Ile450Phe; replaces isoleucine 450 with phenylalanine.
Molecular consequence: missense variant.
Genome position (GRCh38, 1-based): chr7:143,332,820, A>T. VCF-style: chr7-143332820-A-T. GRCh37 (hg19) VCF-style: chr7-143029913-A-T.
Other names: short protein forms I450F.
Identifiers: ClinVar variation 1438442 (VCV001438442.7), dbSNP rs2116855321, ClinGen allele CA369644238.

ClinVar aggregate classification (germline): Uncertain significance. Review status: criteria provided, multiple submitters, no conflicts (2 of 4 stars). 2 submissions from 2 submitters: Uncertain significance (2). Last evaluated 2024-10-16.

Conditions:
Congenital myotonia, autosomal recessive form. Also called: Becker Generalized Myotonia; BECKER DISEASE; myotonia congenita, autosomal recessive. Identifiers: Orphanet 614, MedGen C0751360, MONDO:0009715, OMIM 255700.
Congenital myotonia, autosomal dominant form (THD). Also called: THOMSEN DISEASE; Myotonia congenita autosomal dominant. Identifiers: Orphanet 614, MedGen C2936781, MONDO:0008055, OMIM 160800.

Allele frequency attached by ClinVar (database versions not stated): gnomAD exomes 0.00001.
gnomAD v4.1: 7 of 1,614,048 alleles (0.00043%); highest among the groups gnomAD compares: Non-Finnish European, 0.00059%; no homozygotes.

Submissions (2):

Labcorp Genetics (formerly Invitae), Labcorp
Classification: Uncertain significance for Congenital myotonia, autosomal recessive form; Congenital myotonia, autosomal dominant form. Last evaluated: 2024-10-16. Review status: criteria provided, single submitter. Criteria: Invitae Variant Classification Sherloc (09022015). Collection method: clinical testing. Allele origin: germline.
Comment: This sequence change replaces isoleucine, which is neutral and non-polar, with phenylalanine, which is neutral and non-polar, at codon 450 of the CLCN1 protein (p.Ile450Phe). This variant is not present in population databases (gnomAD no frequency). This variant has not been reported in the literature in individuals affected with CLCN1-related conditions. ClinVar contains an entry for this variant (Variation ID: 1438442). Invitae Evidence Modeling of protein sequence and biophysical properties (such as structural, functional, and spatial information, amino acid conservation, physicochemical variation, residue mobility, and thermodynamic stability) indicates that this missense variant is not expected to disrupt CLCN1 protein function with a negative predictive value of 95%. In summary, the available evidence is currently insufficient to determine the role of this variant in disease. Therefore, it has been classified as a Variant of Uncertain Significance.

Revvity Omics, Revvity
Classification: Uncertain significance. Last evaluated: 2021-11-08. Review status: criteria provided, single submitter. Criteria: ACMG Guidelines, 2015. Collection method: clinical testing. Allele origin: germline.